The following is an entry in ClinVar:

ClinVar aggregate classification (germline): Uncertain significance (1 of 4 stars; one submission).

Allele frequency attached by ClinVar (database versions not stated): ExAC 0.00003; gnomAD 0.00005; TOPMed 0.00005; ESP Exome Variant Server 0.00008; gnomAD exomes 0.00012.
gnomAD v4.1: 188 of 1,608,768 alleles (0.012%); highest among the groups gnomAD compares: Non-Finnish European, 0.014%; no homozygotes.

Submission:

Labcorp Genetics (formerly Invitae), Labcorp
Classification: Uncertain significance. Last evaluated: 2023-08-07. Review status: criteria provided, single submitter. Criteria: Invitae Variant Classification Sherloc (09022015). Collection method: clinical testing. Allele origin: germline.
Comment: This sequence change replaces serine, which is neutral and polar, with leucine, which is neutral and non-polar, at codon 63 of the ADGRB2 protein (p.Ser63Leu). This missense change has been observed in individual(s) with amyotrophic lateral sclerosis (PMID: 31086828). This variant is present in population databases (rs367550636, gnomAD 0.008%). An algorithm developed to predict the effect of missense changes on protein structure and function (PolyPhen-2) suggests that this variant is likely to be disruptive. In summary, the available evidence is currently insufficient to determine the role of this variant in disease. Therefore, it has been classified as a Variant of Uncertain Significance.

Literature cited by the submitters: PubMed 31086828.

NM_001364857.2(ADGRB2):c.188C>T (p.Ser63Leu)

Gene: ADGRB2 (adhesion G protein-coupled receptor B2; minus strand). Cytogenetic location: 1p35.2.
Variant type: single nucleotide variant.
Coding change: c.188C>T on transcript NM_001364857.2 (MANE Select); coding-DNA position 188, C replaced by T.
Protein change: p.Ser63Leu; replaces serine 63 with leucine.
Molecular consequence: missense variant.
Genome position (GRCh38, 1-based): chr1:31,756,649, G>A on the plus strand (C>T on the coding strand, the complement: ADGRB2 is on the minus strand). VCF-style: chr1-31756649-G-A. GRCh37 (hg19) VCF-style: chr1-32222250-G-A.
Other names: c.188C>T, p.Ser63Leu (NM_001294335.2, NM_001294336.2, NM_001703.2); short protein forms S63L.
Identifiers: ClinVar variation 2738453 (VCV002738453.3), dbSNP rs367550636, ClinGen allele CA736199.